The following is an entry in ClinVar:

ClinVar aggregate classification (germline): Likely benign. Review status: criteria provided, multiple submitters, no conflicts (2 of 4 stars). 3 submissions from 3 submitters: Likely benign (2). 1 of the submissions does not count toward it. Last evaluated 2025-06-25.

Conditions:
PIGQ-related disorder. Also called: PIGQ-related condition.
Epilepsy. Also called: Seizure disorder. Identifiers: MedGen C0014544, MeSH D004827, MONDO:0005027.

Allele frequency attached by ClinVar (database versions not stated): TOPMed 0.00002; gnomAD 0.00007; gnomAD exomes 0.00011 and 0.00021; ExAC 0.00029.
gnomAD v4.1: 165 of 1,606,220 alleles (0.01%); highest among the groups gnomAD compares: South Asian, 0.18%; 2 homozygotes.

Submissions (3):

Labcorp Genetics (formerly Invitae), Labcorp
Classification: Likely benign for Epilepsy. Last evaluated: 2025-06-25. Review status: criteria provided, single submitter. Criteria: Invitae Variant Classification Sherloc (09022015). Collection method: clinical testing. Allele origin: germline.

Blueprint Genetics
Classification: Likely benign. Last evaluated: 2024-10-31. Review status: criteria provided, single submitter. Criteria: ACMG Guidelines, 2015. Collection method: clinical testing. Allele origin: germline.

PreventionGenetics, part of Exact Sciences
Classification: Likely benign for PIGQ-related condition. Last evaluated: 2019-02-24. Review status: no assertion criteria provided. Collection method: clinical testing. Allele origin: germline. Not counted in ClinVar's aggregate classification.
Comment: This variant is classified as likely benign based on ACMG/AMP sequence variant interpretation guidelines (Richards et al. 2015 PMID: 25741868, with internal and published modifications).

NM_004204.5(PIGQ):c.216G>A (p.Glu72=)

Gene: PIGQ (phosphatidylinositol glycan anchor biosynthesis class Q; plus strand). Cytogenetic location: 16p13.3.
Variant type: single nucleotide variant.
Coding change: c.216G>A on transcript NM_004204.5 (MANE Select); coding-DNA position 216, G replaced by A.
Protein change: p.Glu72=; no amino-acid change (glutamic acid 72 retained).
Molecular consequence: synonymous variant.
Genome position (GRCh38, 1-based): chr16:574,290, G>A. VCF-style: chr16-574290-G-A. GRCh37 (hg19) VCF-style: chr16-624290-G-A.
Other names: c.216G>A, p.Glu72= (NM_148920.4); c.216G>A (NM_004204.3).
Identifiers: ClinVar variation 1150381 (VCV001150381.12), dbSNP rs772823319, ClinGen allele CA7779809.